The following is an entry in ClinVar:

NM_004937.3(CTNS):c.944A>G (p.Gln315Arg)

Gene: CTNS (cystinosin, lysosomal cystine transporter; plus strand). Cytogenetic location: 17p13.2.
Variant type: single nucleotide variant.
Coding change: c.944A>G on transcript NM_004937.3 (MANE Select); coding-DNA position 944, A replaced by G.
Protein change: p.Gln315Arg; replaces glutamine 315 with arginine.
Molecular consequence: missense variant.
Genome position (GRCh38, 1-based): chr17:3,659,949, A>G. VCF-style: chr17-3659949-A-G. GRCh37 (hg19) VCF-style: chr17-3563243-A-G.
Other names: c.944A>G, p.Gln315Arg (NM_001031681.3, NM_001374492.1); c.503A>G, p.Gln168Arg (NM_001374493.1, NM_001374494.1, NM_001374495.1 and 1 more transcripts); short protein forms Q315R, Q168R.
Identifiers: ClinVar variation 422148 (VCV000422148.5), dbSNP rs1064795587, ClinGen allele CA16620398.

ClinVar aggregate classification (germline): Likely pathogenic. Review status: criteria provided, single submitter (1 of 4 stars). 2 submissions from 2 submitters: Likely pathogenic (1). 1 of the submissions does not count toward it. Last evaluated 2019-05-20.

Conditions:
Nephropathic cystinosis (CTNS). Also called: Abderhalden Lignac Kaufmann disease; Abderhalden-Kaufmann-Lignac syndrome; CYSTINOSIN, DEFECT OF; LYSOSOMAL CYSTINE TRANSPORT PROTEIN, DEFECT OF. Identifiers: Orphanet 213, Orphanet 411629, MedGen C2931187, MONDO:0100151, OMIM 219800.

Allele frequency attached by ClinVar (database versions not stated): gnomAD exomes below 0.00001.

Submissions (2):

GeneDx
Classification: Likely pathogenic. Last evaluated: 2019-05-20. Review status: criteria provided, single submitter. Criteria: GeneDx Variant Classification Process June 2021. Collection method: clinical testing. Allele origin: germline. Affected: yes.
Comment: Not observed at a significant frequency in large population cohorts (Lek et al., 2016); In silico analysis, which includes protein predictors and evolutionary conservation, supports a deleterious effect; Has not been previously published as pathogenic or benign to our knowledge

Counsyl
Classification: Uncertain significance for Nephropathic cystinosis. Last evaluated: 2018-01-09. Review status: no assertion criteria provided. Collection method: clinical testing. Allele origin: unknown. Not counted in ClinVar's aggregate classification.